The following is an entry in ClinVar:

ClinVar aggregate classification (germline): Likely benign. Review status: criteria provided, multiple submitters, no conflicts (2 of 4 stars). 2 submissions from 2 submitters: Likely benign (2). Last evaluated 2026-08-26.

Conditions:
Hereditary spastic paraplegia 49 (HSAN9). Also called: TECPR2-Related Hereditary Sensory and Autonomic Neuropathy with Intellectual Disability; Spastic paraplegia 49, autosomal recessive; NEUROPATHY, HEREDITARY SENSORY AND AUTONOMIC, TYPE IX, WITH DEVELOPMENTAL DELAY. Identifiers: Orphanet 320385, MedGen C5190860, MONDO:0014016, OMIM 615031.
TECPR2-related disorder. Also called: TECPR2-related condition.

Allele frequency attached by ClinVar (database versions not stated): TOPMed 0.00003.

Submissions (2):

PreventionGenetics, part of Exact Sciences
Classification: Likely benign for TECPR2-related condition. Last evaluated: 2026-08-26. Review status: criteria provided, single submitter. Criteria: ACMG Guidelines, 2015. Collection method: clinical testing. Allele origin: germline.
Comment: This variant is classified as likely benign based on ACMG/AMP sequence variant interpretation guidelines (Richards et al. 2015 PMID: 25741868, with internal and published modifications).

Labcorp Genetics (formerly Invitae), Labcorp
Classification: Likely benign for Hereditary spastic paraplegia 49. Last evaluated: 2024-01-17. Review status: criteria provided, single submitter. Criteria: Invitae Variant Classification Sherloc (09022015). Collection method: clinical testing. Allele origin: germline.

NM_014844.5(TECPR2):c.2124G>A (p.Gln708=)

Gene: TECPR2 (tectonin beta-propeller repeat containing 2; plus strand). Cytogenetic location: 14q32.31.
Variant type: single nucleotide variant.
Coding change: c.2124G>A on transcript NM_014844.5 (MANE Select); coding-DNA position 2124, G replaced by A.
Protein change: p.Gln708=; no amino-acid change (glutamine 708 retained).
Molecular consequence: synonymous variant.
Genome position (GRCh38, 1-based): chr14:102,434,941, G>A. VCF-style: chr14-102434941-G-A. GRCh37 (hg19) VCF-style: chr14-102901278-G-A.
Other names: c.2124G>A (NM_014844.4); c.2124G>A, p.Gln708= (NM_001172631.3).
Identifiers: ClinVar variation 2909446 (VCV002909446.4), dbSNP rs896270875, ClinGen allele CA267057654.